The following is an entry in ClinVar:

ClinVar aggregate classification (germline): Pathogenic (1 of 4 stars; one submission).

Conditions:
Marfan syndrome (MFS). Also called: FBN1-Related Marfan Syndrome; MARFAN SYNDROME, TYPE I; Marfan syndrome type 1; Marfan's syndrome; Marfan syndrome, classic. Identifiers: Orphanet 284963, Orphanet 558, MedGen C0024796, MONDO:0007947, OMIM 154700.
Familial thoracic aortic aneurysm and aortic dissection (TAAD). Also called: Thoracic aortic aneurysms and dissections. Identifiers: Orphanet 91387, MedGen C4707243, MONDO:0019625.

Submission:

Labcorp Genetics (formerly Invitae), Labcorp
Classification: Pathogenic for Marfan syndrome; Familial thoracic aortic aneurysm and aortic dissection. Last evaluated: 2025-02-15. Review status: criteria provided, single submitter. Criteria: Invitae Variant Classification Sherloc (09022015). Collection method: clinical testing. Allele origin: germline.
Comment: This sequence change creates a premature translational stop signal (p.Cys1672*) in the FBN1 gene. It is expected to result in an absent or disrupted protein product. Loss-of-function variants in FBN1 are known to be pathogenic (PMID: 17657824, 19293843). This variant is not present in population databases (gnomAD no frequency). This variant has not been reported in the literature in individuals affected with FBN1-related conditions. ClinVar contains an entry for this variant (Variation ID: 960277). For these reasons, this variant has been classified as Pathogenic.

Literature cited by the submitters: PubMed 17657824; PubMed 19293843.

NM_000138.5(FBN1):c.5016T>A (p.Cys1672Ter)

Gene: FBN1 (fibrillin 1; minus strand). Cytogenetic location: 15q21.1.
Variant type: single nucleotide variant.
Coding change: c.5016T>A on transcript NM_000138.5 (MANE Select); coding-DNA position 5016, T replaced by A.
Protein change: p.Cys1672Ter; replaces cysteine 1672 with a stop codon.
Molecular consequence: nonsense.
Genome position (GRCh38, 1-based): chr15:48,463,948, A>T on the plus strand (T>A on the coding strand, the complement: FBN1 is on the minus strand). VCF-style: chr15-48463948-A-T. GRCh37 (hg19) VCF-style: chr15-48756145-A-T.
Other names: short protein forms C1672*.
Identifiers: ClinVar variation 960277 (VCV000960277.7), dbSNP rs1555396848, ClinGen allele CA392349949.